The following is an entry in ClinVar:

NM_001379286.1(ZNF423):c.2888C>T (p.Pro963Leu)

Gene: ZNF423 (zinc finger protein 423; minus strand). Cytogenetic location: 16q12.1.
Variant type: single nucleotide variant.
Coding change: c.2888C>T on transcript NM_001379286.1 (MANE Select); coding-DNA position 2888, C replaced by T.
Protein change: p.Pro963Leu; replaces proline 963 with leucine.
Molecular consequence: missense variant.
Genome position (GRCh38, 1-based): chr16:49,636,288, G>A on the plus strand (C>T on the coding strand, the complement: ZNF423 is on the minus strand). VCF-style: chr16-49636288-G-A. GRCh37 (hg19) VCF-style: chr16-49670199-G-A.
Other names: c.2684C>T, p.Pro895Leu (NM_001271620.2); c.2513C>T, p.Pro838Leu (NM_001330533.2); c.2864C>T, p.Pro955Leu (NM_015069.5); short protein forms P838L, P963L, P895L, P955L.
Identifiers: ClinVar variation 1954442 (VCV001954442.5), dbSNP rs1728081912, ClinGen allele CA395841166.

ClinVar aggregate classification (germline): Uncertain significance (1 of 4 stars; one submission).

Conditions:
Nephronophthisis 14 (NPHP14). Identifiers: Orphanet 2318, MedGen C3539071, MONDO:0013916, OMIM 614844.

Allele frequency attached by ClinVar (database versions not stated): TOPMed below 0.00001.

Submission:

Labcorp Genetics (formerly Invitae), Labcorp
Classification: Uncertain significance for Nephronophthisis 14. Last evaluated: 2022-07-19. Review status: criteria provided, single submitter. Criteria: Invitae Variant Classification Sherloc (09022015). Collection method: clinical testing. Allele origin: germline.
Comment: In summary, the available evidence is currently insufficient to determine the role of this variant in disease. Therefore, it has been classified as a Variant of Uncertain Significance. Algorithms developed to predict the effect of missense changes on protein structure and function are either unavailable or do not agree on the potential impact of this missense change (SIFT: "Deleterious"; PolyPhen-2: "Probably Damaging"; Align-GVGD: "Class C0"). This variant has not been reported in the literature in individuals affected with ZNF423-related conditions. This variant is not present in population databases (gnomAD no frequency). This sequence change replaces proline, which is neutral and non-polar, with leucine, which is neutral and non-polar, at codon 955 of the ZNF423 protein (p.Pro955Leu).